The following is an entry in ClinVar:

NM_001148.6(ANK2):c.35G>T (p.Ser12Ile)

Gene: ANK2 (ankyrin 2; plus strand). Cytogenetic location: 4q25.
Variant type: single nucleotide variant.
Coding change: c.35G>T on transcript NM_001148.6 (MANE Select); coding-DNA position 35, G replaced by T.
Protein change: p.Ser12Ile; replaces serine 12 with isoleucine.
Molecular consequence: missense variant. On other transcripts: intron variant (43).
Genome position (GRCh38, 1-based): chr4:113,049,763, G>T. VCF-style: chr4-113049763-G-T. GRCh37 (hg19) VCF-style: chr4-113970919-G-T.
Other names: c.35G>T, p.Ser12Ile (NM_001354225.2, NM_001354228.2, NM_001354232.2 and 10 more transcripts); c.73-124653G>T (NM_001386186.2, NM_001386148.2, NM_001354269.3 and 1 more transcripts); c.22-101317G>T (NM_001386147.1, NM_001386160.1, NM_001354261.2); c.22-124653G>T (NM_001354254.2, NM_001354239.2, NM_001354252.2 and 33 more transcripts); short protein forms S12I.
Identifiers: ClinVar variation 1318686 (VCV001318686.2), dbSNP rs1428896596, ClinGen allele CA357992711.

ClinVar aggregate classification (germline): Uncertain significance (1 of 4 stars; one submission).

Allele frequency attached by ClinVar (database versions not stated): gnomAD 0.00001; gnomAD exomes 0.00001; TOPMed 0.00001.
gnomAD v4.1: 11 of 1,613,720 alleles (0.00068%); highest among the groups gnomAD compares: Non-Finnish European, 0.00093%; no homozygotes.

Submission:

GeneDx
Classification: Uncertain significance. Last evaluated: 2021-04-05. Review status: criteria provided, single submitter. Criteria: GeneDx Variant Classification Process June 2021. Collection method: clinical testing. Allele origin: germline. Affected: yes.
Comment: Has not been previously published as pathogenic or benign to our knowledge; Not observed in large population cohorts (Lek et al., 2016); In silico analysis supports that this missense variant has a deleterious effect on protein structure/function